The following is an entry in ClinVar:

NM_020461.4(TUBGCP6):c.2999G>A (p.Arg1000Gln)

Gene: TUBGCP6 (tubulin gamma complex component 6; minus strand). Cytogenetic location: 22q13.33.
Variant type: single nucleotide variant.
Coding change: c.2999G>A on transcript NM_020461.4 (MANE Select); coding-DNA position 2999, G replaced by A.
Protein change: p.Arg1000Gln; replaces arginine 1000 with glutamine.
Molecular consequence: missense variant.
Genome position (GRCh38, 1-based): chr22:50,221,360, C>T on the plus strand (G>A on the coding strand, the complement: TUBGCP6 is on the minus strand). VCF-style: chr22-50221360-C-T. GRCh37 (hg19) VCF-style: chr22-50659789-C-T.
Other names: c.2999G>A (NM_020461.3); short protein forms R1000Q.
Identifiers: ClinVar variation 1909006 (VCV001909006.5), dbSNP rs562778646, ClinGen allele CA10308073.

ClinVar aggregate classification (germline): Conflicting classifications of pathogenicity. Review status: criteria provided, conflicting classifications (1 of 4 stars). 2 submissions from 2 submitters: Uncertain significance (1); Likely benign (1). Last evaluated 2025-12-16.

Conditions:
Inborn genetic diseases. Identifiers: MedGen C0950123, MeSH D030342.

Allele frequency attached by ClinVar (database versions not stated): TOPMed below 0.00001; ExAC 0.00001; gnomAD 0.00001; gnomAD exomes 0.00001; 1000 Genomes Project 30x 0.00016; 1000 Genomes Project 0.00020.

Submissions (2):

Ambry Genetics
Classification: Likely benign for Inborn genetic diseases. Last evaluated: 2025-12-16. Review status: criteria provided, single submitter. Criteria: Ambry Variant Classification Scheme 2023. Collection method: clinical testing. Allele origin: germline.

Labcorp Genetics (formerly Invitae), Labcorp
Classification: Uncertain significance. Last evaluated: 2023-11-27. Review status: criteria provided, single submitter. Criteria: Invitae Variant Classification Sherloc (09022015). Collection method: clinical testing. Allele origin: germline.
Comment: This sequence change replaces arginine, which is basic and polar, with glutamine, which is neutral and polar, at codon 1000 of the TUBGCP6 protein (p.Arg1000Gln). This variant is present in population databases (rs562778646, gnomAD 0.007%). This variant has not been reported in the literature in individuals affected with TUBGCP6-related conditions. ClinVar contains an entry for this variant (Variation ID: 1909006). Algorithms developed to predict the effect of missense changes on protein structure and function output the following: SIFT: "Not Available"; PolyPhen-2: "Benign"; Align-GVGD: "Not Available". The glutamine amino acid residue is found in multiple mammalian species, which suggests that this missense change does not adversely affect protein function. In summary, the available evidence is currently insufficient to determine the role of this variant in disease. Therefore, it has been classified as a Variant of Uncertain Significance.